The following is an entry in ClinVar:

NM_000535.7(PMS2):c.1206del (p.Gln402fs)

Gene: PMS2 (PMS1 homolog 2, mismatch repair system component; minus strand). Cytogenetic location: 7p22.1.
Variant type: Deletion.
Coding change: c.1206del on transcript NM_000535.7 (MANE Select); coding-DNA position 1206, one base deleted (A; older notation c.1206delA).
Protein change: p.Gln402fs; shifts the reading frame from glutamine 402.
Molecular consequence: frameshift variant. On other transcripts: non-coding transcript variant (1).
Genome position (GRCh38, 1-based): chr7:5,987,559, T deleted on the plus strand (A on the coding strand, the reverse complement: PMS2 is on the minus strand); the first of 2 consecutive T bases (chr7:5,987,559-5,987,560); deleting either gives the same sequence. VCF-style (leftmost placement, unchanged base first): chr7-5987558-AT-A. GRCh37 (hg19) VCF-style: chr7-6027189-AT-A.
Other names: c.1206del (NM_000535.5); c.801del, p.Gln267fs (NM_001322003.2, NM_001322004.2, NM_001322005.2 and 1 more transcripts); c.1050del, p.Gln350fs (NM_001322006.2); c.888del, p.Gln296fs (NM_001322007.2, NM_001322008.2); c.645del, p.Gln215fs (NM_001322010.2); c.273del, p.Gln91fs (NM_001322011.2, NM_001322012.2); c.633del, p.Gln211fs (NM_001322013.2); c.1206del, p.Gln402fs (NM_001322014.2); and 1 more; short protein forms Q211fs, Q299fs, Q267fs, Q296fs, Q350fs, Q402fs, Q215fs, Q91fs.
Identifiers: ClinVar variation 628359 (VCV000628359.20), dbSNP rs1562636427, ClinGen allele CA913188247.

ClinVar aggregate classification (germline): Pathogenic. Review status: criteria provided, multiple submitters, no conflicts (2 of 4 stars). 6 submissions from 6 submitters: Pathogenic (6). Last evaluated 2024-10-21.

Conditions:
Hereditary cancer-predisposing syndrome. Also called: Neoplastic Syndromes, Hereditary; Tumor predisposition; Hereditary neoplastic syndrome; Hereditary Cancer Syndrome. Identifiers: Orphanet 140162, MedGen C0027672, MeSH D009386, MONDO:0015356.
Hereditary nonpolyposis colorectal neoplasms. Identifiers: MedGen C0009405, MeSH D003123.
Lynch syndrome. Identifiers: Orphanet 144, MedGen C4552100, MONDO:0005835. Disease mechanism: loss of function.
Lynch syndrome 4 (LYNCH4). Also called: Colorectal cancer, hereditary nonpolyposis, type 4; Hereditary non-polyposis colorectal cancer, type 4. Identifiers: Orphanet 144, MedGen C1838333, MONDO:0013699, OMIM 614337. Disease mechanism: loss of function.
Mismatch repair cancer syndrome 1 (MMRCS1). Also called: BRAIN TUMOR-POLYPOSIS SYNDROME 1; BTP1 SYNDROME; CHILDHOOD CANCER SYNDROME; MISMATCH REPAIR DEFICIENCY; MMR DEFICIENCY. Identifiers: Orphanet 252202, MedGen C5399763, MONDO:0010159, OMIM 276300. Disease mechanism: loss of function.

Submissions (6):

Department of Pathology and Laboratory Medicine, Sinai Health System
Classification: Pathogenic for mismatch repair cancer syndrome 1. Last evaluated: 2024-10-21. Review status: criteria provided, single submitter. Criteria: ACMG Guidelines, 2015. Collection method: clinical testing. Allele origin: germline.

All of Us Research Program, National Institutes of Health
Classification: Pathogenic for Lynch syndrome. Last evaluated: 2024-07-10. Review status: criteria provided, single submitter. Criteria: ACMG Guidelines, 2015. Collection method: clinical testing. Allele origin: germline. Inheritance: Autosomal dominant inheritance. Observed: 1 variant allele, 1 heterozygote.
Comment: This variant deletes 1 nucleotide in exon 11 of the PMS2 gene, creating a frameshift and premature translation stop signal. This variant is expected to result in an absent or non-functional protein product. To our knowledge, this variant has not been reported in individuals affected with PMS2-related disorders in the literature. This variant has not been identified in the general population by the Genome Aggregation Database (gnomAD). Loss of PMS2 function is a known mechanism of disease. Based on the available evidence, this variant is classified as Pathogenic.

This study involves interpretation of variants in research participants for the purpose of population health screening. Participant phenotype was not available at the time of variant classification. Additional details can be found in publication PMID: 35346344, PMCID: PMC8962531

Color Diagnostics, LLC DBA Color Health
Classification: Pathogenic for Hereditary cancer-predisposing syndrome. Last evaluated: 2024-04-30. Review status: criteria provided, single submitter. Criteria: ACMG Guidelines, 2015. Collection method: clinical testing. Allele origin: germline.
Comment: This variant deletes 1 nucleotide in exon 11 of the PMS2 gene, creating a frameshift and premature translation stop signal. This variant is expected to result in an absent or non-functional protein product. To our knowledge, this variant has not been reported in individuals affected with PMS2-related disorders in the literature. This variant has not been identified in the general population by the Genome Aggregation Database (gnomAD). Loss of PMS2 function is a known mechanism of disease. Based on the available evidence, this variant is classified as Pathogenic.

Labcorp Genetics (formerly Invitae), Labcorp
Classification: Pathogenic for Hereditary nonpolyposis colorectal neoplasms. Last evaluated: 2024-03-12. Review status: criteria provided, single submitter. Criteria: Invitae Variant Classification Sherloc (09022015). Collection method: clinical testing. Allele origin: germline.
Comment: This sequence change creates a premature translational stop signal (p.Gln402Hisfs*5) in the PMS2 gene. It is expected to result in an absent or disrupted protein product. Loss-of-function variants in PMS2 are known to be pathogenic (PMID: 21376568, 24362816). This variant is not present in population databases (gnomAD no frequency). This premature translational stop signal has been observed in individual(s) with Hirschsprung's disease (PMID: 29128982). ClinVar contains an entry for this variant (Variation ID: 628359). For these reasons, this variant has been classified as Pathogenic.

Baylor Genetics
Classification: Pathogenic for Lynch syndrome 4. Last evaluated: 2021-07-29. Review status: criteria provided, single submitter. Criteria: ACMG Guidelines, 2015. Collection method: clinical testing. Allele origin: unknown.

Ambry Genetics
Classification: Pathogenic for Hereditary cancer-predisposing syndrome. Last evaluated: 2019-05-01. Review status: criteria provided, single submitter. Criteria: Ambry Variant Classification Scheme 2023. Collection method: clinical testing. Allele origin: germline.
Comment: The c.1206delA pathogenic mutation, located in coding exon 11 of the PMS2 gene, results from a deletion of one nucleotide at nucleotide position 1206, causing a translational frameshift with a predicted alternate stop codon (p.Q402Hfs*5). This alteration is expected to result in loss of function by premature protein truncation or nonsense-mediated mRNA decay. As such, this alteration is interpreted as a disease-causing mutation.

Literature cited by the submitters: PubMed 21376568 (cited by Labcorp Genetics (formerly Invitae), Labcorp); PubMed 24362816 (cited by Labcorp Genetics (formerly Invitae), Labcorp); PubMed 29128982 (cited by Labcorp Genetics (formerly Invitae), Labcorp and Ambry Genetics).